The following is an entry in ClinVar:

NM_000059.4(BRCA2):c.1533A>G (p.Ser511=)

Gene: BRCA2 (BRCA2 DNA repair associated; plus strand). Cytogenetic location: 13q13.1.
Variant type: single nucleotide variant.
Coding change: c.1533A>G on transcript NM_000059.4 (MANE Select); coding-DNA position 1533, A replaced by G.
Protein change: p.Ser511=; no amino-acid change (serine 511 retained).
Molecular consequence: synonymous variant.
Genome position (GRCh38, 1-based): chr13:32,333,011, A>G. VCF-style: chr13-32333011-A-G. GRCh37 (hg19) VCF-style: chr13-32907148-A-G.
Identifiers: ClinVar variation 391364 (VCV000391364.13), dbSNP rs1057524056, ClinGen allele CA16606414.

ClinVar aggregate classification (germline): Likely benign. Review status: criteria provided, multiple submitters, no conflicts (2 of 4 stars). 3 submissions from 3 submitters: Likely benign (3). Last evaluated 2023-05-10.

Conditions:
Hereditary cancer-predisposing syndrome. Also called: Neoplastic Syndromes, Hereditary; Hereditary Cancer Syndrome; Tumor predisposition; Hereditary neoplastic syndrome. Identifiers: Orphanet 140162, MedGen C0027672, MeSH D009386, MONDO:0015356.
Hereditary breast ovarian cancer syndrome. Also called: BRCA1- and BRCA2-Associated Hereditary Breast and Ovarian Cancer; Hereditary breast and ovarian cancer syndrome (HBOC); Hereditary breast and ovarian cancer; Breast and ovarian cancer; Hereditary breast and/or ovarian cancer syndrome; Hereditary breast and ovarian cancer syndrome. Identifiers: Orphanet 145, MedGen C0677776, MeSH D061325, MONDO:0003582. Disease mechanism: loss of function.

Submissions (3):

Ambry Genetics
Classification: Likely benign for Hereditary cancer-predisposing syndrome. Last evaluated: 2023-05-10. Review status: criteria provided, single submitter. Criteria: Ambry Variant Classification Scheme 2023. Collection method: clinical testing. Allele origin: germline.

Labcorp Genetics (formerly Invitae), Labcorp
Classification: Likely benign for Hereditary breast ovarian cancer syndrome. Last evaluated: 2021-02-01. Review status: criteria provided, single submitter. Criteria: Invitae Variant Classification Sherloc (09022015). Collection method: clinical testing. Allele origin: germline.

GeneDx
Classification: Likely benign. Last evaluated: 2016-11-29. Review status: criteria provided, single submitter. Criteria: GeneDx Variant Classification (06012015). Collection method: clinical testing. Allele origin: germline. Affected: yes.
Comment: This variant is considered likely benign or benign based on one or more of the following criteria: it is a conservative change, it occurs at a poorly conserved position in the protein, it is predicted to be benign by multiple in silico algorithms, and/or has population frequency not consistent with disease.